The following is an entry in ClinVar:

ClinVar aggregate classification (germline): Uncertain significance (1 of 4 stars; one submission).

Conditions:
Hereditary cancer-predisposing syndrome. Also called: Neoplastic Syndromes, Hereditary; Tumor predisposition; Hereditary neoplastic syndrome; Hereditary Cancer Syndrome. Identifiers: Orphanet 140162, MedGen C0027672, MeSH D009386, MONDO:0015356.

Submission:

Ambry Genetics
Classification: Uncertain significance for Hereditary cancer-predisposing syndrome. Last evaluated: 2024-04-22. Review status: criteria provided, single submitter. Criteria: Ambry Variant Classification Scheme 2023. Collection method: clinical testing. Allele origin: germline.
Comment: The p.S324G variant (also known as c.970A>G), located in coding exon 7 of the ATM gene, results from an A to G substitution at nucleotide position 970. The serine at codon 324 is replaced by glycine, an amino acid with similar properties. This amino acid position is conserved. In addition, this alteration is predicted to be tolerated by in silico analysis. Based on the available evidence, the clinical significance of this variant remains unclear.

NM_000051.4(ATM):c.970A>G (p.Ser324Gly)

Gene: ATM (ATM serine/threonine kinase; plus strand). Cytogenetic location: 11q22.3.
Variant type: single nucleotide variant.
Coding change: c.970A>G on transcript NM_000051.4 (MANE Select); coding-DNA position 970, A replaced by G.
Protein change: p.Ser324Gly; replaces serine 324 with glycine.
Molecular consequence: missense variant.
Genome position (GRCh38, 1-based): chr11:108,247,032, A>G. VCF-style: chr11-108247032-A-G. GRCh37 (hg19) VCF-style: chr11-108117759-A-G.
Other names: c.970A>G, p.Ser324Gly (NM_001351834.2); short protein forms S324G.
Identifiers: ClinVar variation 3325648 (VCV003325648.1).